The following is an entry in ClinVar:

NM_015158.5(KANK1):c.1027G>A (p.Gly343Arg)

Gene: KANK1 (KN motif and ankyrin repeat domains 1; plus strand). Cytogenetic location: 9p24.3.
Variant type: single nucleotide variant.
Coding change: c.1027G>A on transcript NM_015158.5 (MANE Select); coding-DNA position 1027, G replaced by A.
Protein change: p.Gly343Arg; replaces glycine 343 with arginine.
Molecular consequence: missense variant. On other transcripts: non-coding transcript variant (1).
Genome position (GRCh38, 1-based): chr9:711,793, G>A. VCF-style: chr9-711793-G-A. GRCh37 (hg19) VCF-style: chr9-711793-G-A.
Other names: c.1027G>A, p.Gly343Arg (NM_001256876.3, NM_001256877.3, NM_001354331.2 and 2 more transcripts); c.553G>A, p.Gly185Arg (NM_001354333.2, NM_001354335.2, NM_001354336.2 and 9 more transcripts); short protein forms G343R, G185R.
Identifiers: ClinVar variation 1979253 (VCV001979253.5), dbSNP rs370509341, ClinGen allele CA4960104.
Genomic context (GRCh38, chr9:711,793, plus strand): 5'-TCCTATAGTGCGGGGAACGCCTCCCAGCTGGAACAGCTCTCCCGGGCCCGAAGAAGTGGC[G>A]GGGAATTATACATTGACTATGAGGAGGAAGAAATGGAGACCGTAGAACAGAGCACGCAGA-3'
Protein context (NP_055973.2, residues 333-353): EQLSRARRSG[Gly343Arg]ELYIDYEEEE

ClinVar aggregate classification (germline): Uncertain significance. Review status: criteria provided, multiple submitters, no conflicts (2 of 4 stars). 2 submissions from 2 submitters: Uncertain significance (2). Last evaluated 2021-12-19.

Allele frequency attached by ClinVar (database versions not stated): gnomAD 0.00002; gnomAD exomes 0.00002; TOPMed 0.00003; ExAC 0.00008; ESP Exome Variant Server 0.00008.
gnomAD v4.1: 40 of 1,614,018 alleles (0.0025%); highest among the groups gnomAD compares: Middle Eastern, 0.049%; no homozygotes.

Submissions (2):

Labcorp Genetics (formerly Invitae), Labcorp
Classification: Uncertain significance. Last evaluated: 2021-12-19. Review status: criteria provided, single submitter. Criteria: Invitae Variant Classification Sherloc (09022015). Collection method: clinical testing. Allele origin: germline.
Comment: This variant has not been reported in the literature in individuals affected with KANK1-related conditions. This variant is present in population databases (rs370509341, gnomAD 0.01%). This sequence change replaces glycine, which is neutral and non-polar, with arginine, which is basic and polar, at codon 343 of the KANK1 protein (p.Gly343Arg). Algorithms developed to predict the effect of missense changes on protein structure and function output the following: SIFT: "Tolerated"; PolyPhen-2: "Benign"; Align-GVGD: "Class C0". The arginine amino acid residue is found in multiple mammalian species, which suggests that this missense change does not adversely affect protein function. In summary, the available evidence is currently insufficient to determine the role of this variant in disease. Therefore, it has been classified as a Variant of Uncertain Significance.

Breakthrough Genomics
Classification: Uncertain significance. Review status: criteria provided, single submitter. Criteria: ACMG Guidelines, 2015. Collection method: not provided. Allele origin: germline. Inheritance: Autosomal recessive inheritance. Affected: yes.